The following is an entry in ClinVar:

NM_032620.4(GTPBP3):c.1323C>T (p.Cys441=)

Gene: GTPBP3 (GTP binding protein 3, mitochondrial; plus strand). Cytogenetic location: 19p13.11.
Variant type: single nucleotide variant.
Coding change: c.1323C>T on transcript NM_032620.4 (MANE Select); coding-DNA position 1323, C replaced by T.
Protein change: p.Cys441=; no amino-acid change (cysteine 441 retained).
Molecular consequence: synonymous variant.
Genome position (GRCh38, 1-based): chr19:17,341,547, C>T. VCF-style: chr19-17341547-C-T. GRCh37 (hg19) VCF-style: chr19-17452356-C-T.
Other names: c.1260C>T, p.Cys420= (NM_001128855.3); c.1389C>T, p.Cys463= (NM_001195422.1); c.1419C>T, p.Cys473= (NM_133644.4).
Identifiers: ClinVar variation 513248 (VCV000513248.5), dbSNP rs772882562, ClinGen allele CA9293711.

ClinVar aggregate classification (germline): Likely benign. Review status: criteria provided, multiple submitters, no conflicts (2 of 4 stars). 2 submissions from 2 submitters: Likely benign (2). Last evaluated 2025-12-19.

Allele frequency attached by ClinVar (database versions not stated): gnomAD exomes 0.00001 and 0.00002; ExAC 0.00002; TOPMed 0.00002; gnomAD 0.00003.

Submissions (2):

Labcorp Genetics (formerly Invitae), Labcorp
Classification: Likely benign. Last evaluated: 2025-12-19. Review status: criteria provided, single submitter. Criteria: Invitae Variant Classification Sherloc (09022015). Collection method: clinical testing. Allele origin: germline.

GeneDx
Classification: Likely benign. Last evaluated: 2017-11-20. Review status: criteria provided, single submitter. Criteria: GeneDx Variant Classification (06012015). Collection method: clinical testing. Allele origin: germline. Affected: yes.
Comment: This variant is considered likely benign or benign based on one or more of the following criteria: it is a conservative change, it occurs at a poorly conserved position in the protein, it is predicted to be benign by multiple in silico algorithms, and/or has population frequency not consistent with disease.